The following is an entry in ClinVar:

ClinVar aggregate classification (germline): Pathogenic. Review status: reviewed by expert panel (3 of 4 stars). 10 submissions from 10 submitters: Pathogenic (1). 9 of the submissions do not count toward it. Last evaluated 2025-10-01.

Conditions:
Anauxetic dysplasia. Identifiers: Orphanet 93347, MedGen C1846796, MONDO:0011773.
Metaphyseal chondrodysplasia, McKusick type (CHH). Also called: Cartilage-Hair Hypoplasia (CHH); Cartilage-hair hypoplasia. Identifiers: Orphanet 175, MedGen C0220748, MONDO:0009595, OMIM 250250.
Metaphyseal dysplasia without hypotrichosis. Also called: CARTILAGE-HAIR HYPOPLASIA VARIANT, SKELETAL MANIFESTATIONS ONLY; CARTILAGE-HAIR HYPOPLASIA-LIKE SKELETAL DYSPLASIA WITHOUT HYPOTRICHOSIS OR IMMUNODEFICIENCY; Metaphyseal Dysplasia without Hypotrichosis (MDWH). Identifiers: MedGen C1834821, MONDO:0009601, OMIM 250460.
Anauxetic dysplasia 1 (ANXD1). Also called: Anauxetic Dysplasia (AD). Identifiers: Orphanet 93347, MedGen C4551965, MONDO:0054560, OMIM 607095.
RMRP-related disorder. Also called: RMRP-related condition.

gnomAD v4.1: 24 of 692,778 alleles (0.0035%); highest among the groups gnomAD compares: Admixed American, 0.024%; no homozygotes.

Submissions (10):

ClinGen Severe Combined Immunodeficiency Variant Curation Expert Panel, ClinGen
Classification: Pathogenic for Metaphyseal chondrodysplasia, McKusick type. Last evaluated: 2025-10-01. Review status: reviewed by expert panel. Criteria: ClinGen SCID ACMG Specifications RMRP V1.2.0. Collection method: curation. Allele origin: germline. Inheritance: Autosomal recessive inheritance.
Comment: The variant NC_000009.12:g.35657823G>A, also known as NR_003051.4(RMRP):n.197C>T or NR_003051.3:g.195C>T, presents in gnomAD v.4.1.0 at a Grpmax Filtering allele frequency of 0.00013956, which is greater than the ClinGen SCID VCEP specified PM2_Supporting threshold (<0.0000447), and lower than the threshold of BS1 (>0.00089). Therefore, both PM2_supporting and BS1 are not met. At least one patient with this variant presents with Metaphyseal dysplasia (+1.0), meeting PP4 (PMID:32021596). This variant has been found in trans with the variant c.70A>G (+1.0 points), g.−14_−3dupAAGCTGAGGACG (+1 pts), g.254_263delCTCAGGCGCGG (+0.25 pts), g.−21_−2dup20ACTCTGTGAAGCTGAGGACG (+0.25 pts), g.−25_−4dup22TACTACTCTGTGAAGCTGAGAA (+0.25 pts), g.−22_−14dup9TACTCTGTG (+0.25 pts), g.97_98dup2TG (+0.25 pts), g.10T>A (+0.25 pts), g.6G>T (+0.25 pts), g.−13_+1dup14AAGCTGAGGACGTG (+0.25 pts), g.−8_−7ins20GGGACTACTCTGTGAAGCTG (+0.25 pts), g.−22_−3dup20TACTCTGTGAAGCTGAGAAC (+0.25 pts), g.36C>G (+0.25 pts), g.69_70ins1T (+0.25 pts), g.−25_−4dup22TACTACTCTGTGAAGCTGAGAA (+0.25pts), reaching a total of 5 points and therefor meeting PM3_VeryStrong (PMID: 32021596, 17701897, 16244706). A multiple-case family has been reported with two affected siblings. Therefore, PP1 is met at default strength (PMID: 32021596). In summary, this variant is classified as Pathogenic for Autosomal recessive Cartilage Hair Hypoplasia based on the ACMG/AMP criteria applied, as specified by the ClinGen SCID VCEP: PM3_VeryStrong, PP4, and PP1 (VCEP specifications version 1). NR_003051.3 is the historic transcript with the first nucleotide of the transcribed non-coding RNA that differs from the current MANE transcript, namely NR_003051.4. In this curation, NR_003051.3 was used in the following PMID(s): 17701897, 16244706. NR_003051.4 was used in PMID(s) 32021596.

OLLIN Analises Genomicas, OLLIN
Classification: Pathogenic for Anauxetic dysplasia 1. Last evaluated: 2026-02-13. Review status: criteria provided, single submitter. Criteria: ACMG Guidelines 2015 PMID 25741868. Collection method: clinical testing. Allele origin: germline. Affected: yes. Observed: 1 variant allele. Not counted in ClinVar's aggregate classification.
Comment: The NA (chr9:35657823G>A), located in the non-coding region of exon 1 (of 1), is reported in ClinVar (VCV000633393.17), in gnomAD v4.1 non-UKB with an allele frequency of 0.0035%, and in the scientific literature, also segregating with the phenotype, in individuals with (PMID: 32021596, 17701897, 16244706). According to the currently available evidence, this variant has been classified as pathogenic (PM3_VS, PP1, PP4).

Labcorp Genetics (formerly Invitae), Labcorp
Classification: Pathogenic for Anauxetic dysplasia. Last evaluated: 2026-01-21. Review status: criteria provided, single submitter. Criteria: Invitae Variant Classification Sherloc (09022015). Collection method: clinical testing. Allele origin: germline. Not counted in ClinVar's aggregate classification.
Comment: This variant occurs in the RMRP gene, which encodes an RNA molecule that does not result in a protein product. This variant is present in population databases (no rsID available, gnomAD 0.03%). This variant has been observed in individual(s) with cartilage-hair hypoplasia-anauxetic dysplasia spectrum disorders (PMID: 11940090, 12107819, 16244706, 16838329, 17701897). In at least one individual the data is consistent with being in trans (on the opposite chromosome) from a pathogenic variant. This variant is also known as 195C>T. ClinVar contains an entry for this variant (Variation ID: 633393). Algorithms developed to predict the effect of variants on gene product structure and function are not available or were not evaluated for this variant. Experimental studies have shown that this variant affects RMRP function (PMID: 11701897). For these reasons, this variant has been classified as Pathogenic.

Natera, Inc.
Classification: Pathogenic for Cartilage-hair hypoplasia. Last evaluated: 2025-03-18. Review status: criteria provided, single submitter. Criteria: Natera Variant Classification Schema (03/2026). Collection method: clinical testing. Allele origin: germline. Not counted in ClinVar's aggregate classification.
Comment: The n.196C>T variant in RMRP is characterized as a single nucleotide variant (SNV). This variant is rare in the general population with a frequency below the threshold expected for the associated phenotype(s). This variant has been observed in one or more individuals affected with the associated recessive disease, as either homozygous or compound heterozygous with a second variant (PMID: 32021596). Computational prediction algorithms indicate this variant is likely to affect gene or protein function. Given the available evidence, this variant is classified as Pathogenic.

Dasa
Classification: Pathogenic. Last evaluated: 2025-02-05. Review status: criteria provided, single submitter. Criteria: DASA Assertion Criteria. Collection method: clinical testing. Allele origin: germline. Not counted in ClinVar's aggregate classification.
Comment: NR_003051.3(RMRP):n.196C>T is a sequence variant. This variant has been observed in affected individuals with related phenotype in a genotype context consistent with recessive disease (PMID: 11701897; PMID: 17701897; PMID: 32021596; PMID: 11940090; PMID: 12107819). Functional evidence supports a deleterious effect on the gene or gene product (PMID: 11701897; PMID: 17701897; PMID: 32021596; PMID: 11940090; PMID: 12107819). This variant has been recurrently observed in individuals with related phenotype (PMID: 11701897; PMID: 17701897; PMID: 32021596; PMID: 11940090; PMID: 12107819). The variant is present at low frequency in population datasets. Based on the available data, this variant is classified as pathogenic.

Blueprint Genetics
Classification: Pathogenic for RMRP-related disorders. Last evaluated: 2022-06-22. Review status: criteria provided, single submitter. Criteria: ACMG Guidelines, 2015. Collection method: clinical testing. Allele origin: germline. Affected: yes. Observed: 4 variant alleles. Not counted in ClinVar's aggregate classification.

AiLife Diagnostics
Classification: Pathogenic. Last evaluated: 2022-01-17. Review status: criteria provided, single submitter. Criteria: ACMG Guidelines, 2015. Collection method: clinical testing. Allele origin: germline. Affected: yes. Observed: 1 variant allele. Not counted in ClinVar's aggregate classification.

Women's Health and Genetics/Laboratory Corporation of America, LabCorp
Classification: Pathogenic for Metaphyseal chondrodysplasia, McKusick type. Last evaluated: 2018-05-04. Review status: criteria provided, single submitter. Criteria: LabCorp Variant Classification Summary - May 2015. Collection method: clinical testing. Allele origin: germline. Not counted in ClinVar's aggregate classification.
Comment: Variant summary: The RMRP n.196C>T (also known as n.195C>T) variant involves the alteration of a conserved nucleotide. The variant allele was found at a frequency of 8e-05 in 125446 control chromosomes (gnomAD and publications). This frequency is not higher than expected for a pathogenic variant in RMRP causing Cartilage-Hair Hypoplasia (8e-05 vs. 7.20e-03), allowing no conclusion about variant significance. The variant, n.196c>t, has been reported in the literature in multiple individuals affected with Cartilage-Hair Hypoplasia and Anauxetic Dysplasia (Thiel 2007, Bonafe 2005, Hermanns 2006, Ridanpaa 2002). These data indicate that the variant is very likely to be associated with disease. One publication reports experimental evidence showing a mild to intermediate decrease in RNA cleavage activities associated with this variant (Thiel 2007). No clinical diagnostic laboratories have submitted clinical-significance assessments for this variant to ClinVar after 2014. Based on the evidence outlined above, the variant was classified as pathogenic.

Shenzhen Maternity and Child Healthcare Hospital, Institute of Maternal and Child Medicine Research
Classification: Pathogenic for Metaphyseal chondrodysplasia, McKusick type. Review status: criteria provided, single submitter. Criteria: ACMG Guidelines, 2015. Collection method: clinical testing. Allele origin: germline. Not counted in ClinVar's aggregate classification.
Comment: The RMRP n.196C>T (also known as n.195C>T) variant involves the alteration of a conserved nucleotide in the RMRP gene, which encodes an RNA molecule that does not result in a protein product. This variant, along with other mutations, has been observed to form a compound heterozygous mutation in individual(s) with cartilage-hair hypoplasia-anauxetic dysplasia spectrum disorders (PMID: 11940090, 32021596, 17701897, 16838329, 16244706, 12107819). These data indicate that the variant is very likely to be associated with disease. One publication reports experimental evidence showing a mild to intermediate decrease in RNA cleavage activities associated with this variant (PMID: 17701897). For these reasons , this variant was classified as pathogenic.

OMIM
Classification: Pathogenic for METAPHYSEAL DYSPLASIA WITHOUT HYPOTRICHOSIS. Last evaluated: 2002-02-01. Review status: no assertion criteria provided. Collection method: literature only. Allele origin: germline. Not counted in ClinVar's aggregate classification.

Literature cited by the submitters: PubMed 32021596 (cited by 5 submitters); PubMed 17701897 (cited by 6 submitters); PubMed 16244706 (cited by 5 submitters); PubMed 11940090 (cited by 5 submitters); PubMed 12107819 (cited by 5 submitters); PubMed 16838329 (cited by 5 submitters); PubMed 11701897 (cited by Labcorp Genetics (formerly Invitae), Labcorp and Dasa); PubMed 38862721 (cited by Dasa).

NR_003051.4(RMRP):n.197C>T

Gene: RMRP (RNA component of mitochondrial RNA processing endoribonuclease; minus strand). Cytogenetic location: 9p13.3.
Variant type: single nucleotide variant.
Genome position: GRCh38 VCF-style: chr9-35657823-G-A. GRCh37 (hg19) VCF-style: chr9-35657820-G-A.
Other names: NR_003051.4:n.196C>T; 195C-T.
Identifiers: ClinVar variation 633393 (VCV000633393.21), dbSNP rs948931144, ClinGen allele CA192745572.
Genomic context (GRCh38, chr9:35,657,823, plus strand): 5'-AGAATGAGCCCCGTGTGGTTGGTGCGCGGACACGCACTGCCTGCGTAACTAGAGGGAGCT[G>A]ACGGATGACGCCCCCGCGCCACGCCGCTCAGCGGGATACGCTTCTTGGCGGACTTTGGAG-3'